The following is an entry in ClinVar:

NM_004100.5(EYA4):c.1096A>G (p.Ser366Gly)

Gene: EYA4 (EYA transcriptional coactivator and phosphatase 4; plus strand). Cytogenetic location: 6q23.2.
Variant type: single nucleotide variant.
Coding change: c.1096A>G on transcript NM_004100.5 (MANE Select); coding-DNA position 1096, A replaced by G.
Protein change: p.Ser366Gly; replaces serine 366 with glycine.
Molecular consequence: missense variant.
Genome position (GRCh38, 1-based): chr6:133,481,588, A>G. VCF-style: chr6-133481588-A-G. GRCh37 (hg19) VCF-style: chr6-133802726-A-G.
Other names: c.934A>G, p.Ser312Gly (NM_001301012.2); c.1114A>G, p.Ser372Gly (NM_001301013.2); c.1027A>G, p.Ser343Gly (NM_001370458.1, NM_172103.4); c.952A>G, p.Ser318Gly (NM_001370459.1); c.1096A>G, p.Ser366Gly (NM_172105.4); short protein forms S366G, S343G, S312G, S318G, S372G.
Identifiers: ClinVar variation 574928 (VCV000574928.9), dbSNP rs1562471411, ClinGen allele CA365706561.

ClinVar aggregate classification (germline): Uncertain significance. Review status: criteria provided, multiple submitters, no conflicts (2 of 4 stars). 2 submissions from 2 submitters: Uncertain significance (2). Last evaluated 2026-08-29.

Conditions:
Dilated cardiomyopathy 1J (CMD1J). Also called: CARDIOMYOPATHY, DILATED, WITH SENSORINEURAL HEARING LOSS, AUTOSOMAL DOMINANT. Identifiers: Orphanet 217622, MedGen C1854368, MONDO:0011541, OMIM 605362.
Cardiovascular phenotype. Identifiers: MedGen CN230736.

Submissions (2):

Ambry Genetics
Classification: Uncertain significance for Cardiovascular phenotype. Last evaluated: 2026-08-29. Review status: criteria provided, single submitter. Criteria: Ambry Variant Classification Scheme 2023. Collection method: clinical testing. Allele origin: germline.
Comment: The p.S366G variant (also known as c.1096A>G), located in coding exon 11 of the EYA4 gene, results from an A to G substitution at nucleotide position 1096. The serine at codon 366 is replaced by glycine, an amino acid with similar properties. This amino acid position is conserved. In addition, this alteration is predicted to be tolerated by in silico analysis. Based on the available evidence, the clinical significance of this variant remains unclear.

Labcorp Genetics (formerly Invitae), Labcorp
Classification: Uncertain significance for Dilated cardiomyopathy 1J. Last evaluated: 2018-06-26. Review status: criteria provided, single submitter. Criteria: Invitae Variant Classification Sherloc (09022015). Collection method: clinical testing. Allele origin: germline.
Comment: In summary, the available evidence is currently insufficient to determine the role of this variant in disease. Therefore, it has been classified as a Variant of Uncertain Significance. Algorithms developed to predict the effect of missense changes on protein structure and function are either unavailable or do not agree on the potential impact of this missense change (SIFT: "Tolerated"; PolyPhen-2: "Benign"; Align-GVGD: "Class C0"). This variant has not been reported in the literature in individuals with EYA4-related disease. This variant is not present in population databases (ExAC no frequency). This sequence change replaces serine with glycine at codon 366 of the EYA4 protein (p.Ser366Gly). The serine residue is highly conserved and there is a small physicochemical difference between serine and glycine.